The following is an entry in ClinVar:

NM_001127511.3(APC):c.-159T>C

Gene: APC (APC regulator of Wnt signaling pathway; plus strand). Cytogenetic location: 5q22.2.
Variant type: single nucleotide variant.
Coding change: c.-159T>C on transcript NM_001127511.3; 159 bases upstream of the start codon, T replaced by C.
Molecular consequence: 5 prime UTR variant. On other transcripts: non-coding transcript variant (2).
Genome position (GRCh38, 1-based): chr5:112,707,559, T>C. VCF-style: chr5-112707559-T-C. GRCh37 (hg19) VCF-style: chr5-112043256-T-C.
Other names: c.-109T>C (NM_001407458.1, NM_001407457.1, NM_001407448.1 and 1 more transcripts); c.-342T>C (NM_001407460.1, NM_001407469.1, NM_001354895.2 and 3 more transcripts); c.-1377T>C (NM_001407470.1, NM_001407472.1); c.-159T>C (NM_001354897.2, NM_001354902.2, NM_001407446.1); c.-133T>C (NM_001407453.1).
Identifiers: ClinVar variation 1046153 (VCV001046153.9), dbSNP rs1750576513, ClinGen allele CA1573442440.

ClinVar aggregate classification (germline): Uncertain significance (1 of 4 stars; one submission).

Conditions:
Familial adenomatous polyposis 1 (FAP1). Also called: FAMILIAL ADENOMATOUS POLYPOSIS 1, ATTENUATED; POLYPOSIS, ADENOMATOUS INTESTINAL. Identifiers: MedGen C2713442, MONDO:0021056, OMIM 175100. Disease mechanism: loss of function.

Submission:

Labcorp Genetics (formerly Invitae), Labcorp
Classification: Uncertain significance for Familial adenomatous polyposis 1. Last evaluated: 2024-02-22. Review status: criteria provided, single submitter. Criteria: Invitae Variant Classification Sherloc (09022015). Collection method: clinical testing. Allele origin: germline.
Comment: This variant occurs in a non-coding region of the APC gene. It does not change the encoded amino acid sequence of the APC protein. This variant is not present in population databases (gnomAD no frequency). This variant has not been reported in the literature in individuals affected with APC-related conditions. Experimental studies and prediction algorithms are not available or were not evaluated, and the functional significance of this variant is currently unknown. In summary, the available evidence is currently insufficient to determine the role of this variant in disease. Therefore, it has been classified as a Variant of Uncertain Significance.